The following is an entry in ClinVar:

ClinVar aggregate classification (germline): Likely pathogenic (1 of 4 stars; one submission).

Submission:

GeneDx
Classification: Likely pathogenic. Last evaluated: 2017-03-06. Review status: criteria provided, single submitter. Criteria: GeneDx Variant Classification (06012015). Collection method: clinical testing. Allele origin: germline. Affected: yes.
Comment: The L29R variant has not been published as a pathogenic variant, nor has it been reported as a benign variant to our knowledge. The variant was not observed in approximately 6,500 individuals of European and African American ancestry in the NHLBI Exome Sequencing Project, indicating it is not a common benign variant in these populations. L29R is a non-conservative amino acid substitution, which is likely to impact secondary protein structure as these residues differ in polarity, charge, size and/or other properties. This substitution occurs at a position in the critical DNA-binding domain where amino acids with similar properties to Leucine are tolerated across species; however, in silico analysis is inconsistent in its predictions as to whether or not the variant is damaging to the protein structure/function. Missense variants in nearby residues (P24L, G25A/V, W28R/L, R31T, K34E/T) have been reported in the Human Gene Mutation Database in association with van der Woude syndrome (Stenson et al., 2014), supporting the functional importance of this region of the protein. This variant was observed to segregate in four affected individuals. Therefore, based on the currently available information, we consider this variant to be likely pathogenic; however, the possibility that it is benign cannot be excluded.

NM_006147.4(IRF6):c.86T>G (p.Leu29Arg)

Gene: IRF6 (interferon regulatory factor 6; minus strand). Cytogenetic location: 1q32.2.
Variant type: single nucleotide variant.
Coding change: c.86T>G on transcript NM_006147.4 (MANE Select); coding-DNA position 86, T replaced by G.
Protein change: p.Leu29Arg; replaces leucine 29 with arginine.
Molecular consequence: missense variant. On other transcripts: intron variant (1).
Genome position (GRCh38, 1-based): chr1:209,801,328, A>C on the plus strand (T>G on the coding strand, the complement: IRF6 is on the minus strand). VCF-style: chr1-209801328-A-C. GRCh37 (hg19) VCF-style: chr1-209974673-A-C.
Other names: c.-112+4619T>G (NM_001206696.2); short protein forms L29R.
Identifiers: ClinVar variation 390376 (VCV000390376.2), dbSNP rs1057523749, ClinGen allele CA16603481.
Genomic context (GRCh38, chr1:209,801,328, plus strand): 5'-TGAGGGCTATGCCGGGTGGCATGTTTCCAGGGAATCTGGAAGCGTTTAGAGTCCCTGTGT[A>C]GCCAGATGAGCCCAGGGTAGAGGCCACTATCCACCTGGGCCACCAGCCAGGGCTTTAGCC-3'
Protein context (NP_006138.1, residues 19-39): DSGLYPGLIW[Leu29Arg]HRDSKRFQIP